The following is an entry in ClinVar:

NM_007294.4(BRCA1):c.2165T>C (p.Val722Ala)

Gene: BRCA1 (BRCA1 DNA repair associated; minus strand). Cytogenetic location: 17q21.31.
Variant type: single nucleotide variant.
Coding change: c.2165T>C on transcript NM_007294.4 (MANE Select); coding-DNA position 2165, T replaced by C.
Protein change: p.Val722Ala; replaces valine 722 with alanine.
Molecular consequence: missense variant. On other transcripts: intron variant (137).
Genome position (GRCh38, 1-based): chr17:43,093,366, A>G on the plus strand (T>C on the coding strand, the complement: BRCA1 is on the minus strand). VCF-style: chr17-43093366-A-G. GRCh37 (hg19) VCF-style: chr17-41245383-A-G.
Other names: c.1955T>C, p.Val652Ala (NM_001407906.1, NM_001407907.1, NM_001407910.1 and 13 more transcripts); c.1952T>C, p.Val651Ala (NM_001407915.1, NM_001407916.1, NM_001407917.1 and 9 more transcripts); c.1898T>C, p.Val633Ala (NM_001407934.1, NM_001407930.1, NM_001407931.1 and 2 more transcripts); c.1901T>C, p.Val634Ala (NM_001407935.1, NM_001407927.1, NM_001407928.1 and 9 more transcripts); c.2042T>C, p.Val681Ala (NM_001407937.1, NM_001407938.1, NM_001407939.1 and 19 more transcripts); c.2039T>C, p.Val680Ala (NM_001407940.1, NM_001407941.1, NM_001407649.1 and 11 more transcripts); c.2024T>C, p.Val675Ala (NM_001407942.1, NM_001407944.1, NM_001407945.1 and 29 more transcripts); c.2021T>C, p.Val674Ala (NM_001407943.1, NM_001407964.1, NM_001407740.1 and 20 more transcripts); and 41 more; short protein forms V722A, V675A, V634A, V674A, V695A, V719A, V426A, V594A.
Identifiers: ClinVar variation 462576 (VCV000462576.12), dbSNP rs1555590311, ClinGen allele CA10597672.

ClinVar aggregate classification (germline): Conflicting classifications of pathogenicity. Review status: criteria provided, conflicting classifications (1 of 4 stars). 2 submissions from 2 submitters: Uncertain significance (1); Likely benign (1). Last evaluated 2023-07-05.

Conditions:
Hereditary cancer-predisposing syndrome. Also called: Neoplastic Syndromes, Hereditary; Hereditary Cancer Syndrome; Hereditary neoplastic syndrome; Tumor predisposition. Identifiers: Orphanet 140162, MedGen C0027672, MeSH D009386, MONDO:0015356.
Hereditary breast ovarian cancer syndrome. Also called: Hereditary breast and ovarian cancer syndrome (HBOC); Hereditary breast and ovarian cancer syndrome; Breast and ovarian cancer; Hereditary breast and/or ovarian cancer syndrome; Hereditary breast and ovarian cancer; BRCA1- and BRCA2-Associated Hereditary Breast and Ovarian Cancer. Identifiers: Orphanet 145, MedGen C0677776, MeSH D061325, MONDO:0003582. Disease mechanism: loss of function.

Submissions (2):

Labcorp Genetics (formerly Invitae), Labcorp
Classification: Uncertain significance for Hereditary breast ovarian cancer syndrome. Last evaluated: 2023-07-05. Review status: criteria provided, single submitter. Criteria: Invitae Variant Classification Sherloc (09022015). Collection method: clinical testing. Allele origin: germline.
Comment: This sequence change replaces valine, which is neutral and non-polar, with alanine, which is neutral and non-polar, at codon 722 of the BRCA1 protein (p.Val722Ala). This variant is not present in population databases (gnomAD no frequency). This variant has not been reported in the literature in individuals affected with BRCA1-related conditions. ClinVar contains an entry for this variant (Variation ID: 462576). Advanced modeling of protein sequence and biophysical properties (such as structural, functional, and spatial information, amino acid conservation, physicochemical variation, residue mobility, and thermodynamic stability) performed at Invitae indicates that this missense variant is not expected to disrupt BRCA1 protein function. In summary, the available evidence is currently insufficient to determine the role of this variant in disease. Therefore, it has been classified as a Variant of Uncertain Significance.

University of Washington Department of Laboratory Medicine, University of Washington
Classification: Likely benign for Hereditary cancer-predisposing syndrome. Last evaluated: 2023-03-23. Review status: criteria provided, single submitter. Criteria: Dines et al. (Genet Med. 2020). Collection method: curation. Allele origin: germline.
Comment: Missense variant in a coldspot region where missense variants are very unlikely to be pathogenic (PMID:31911673).

BRCA1 coldspot (exon 11 using historical exon numbering). Reclassification based on statistical prior probability